The following is an entry in ClinVar:

NM_001367871.1(FBRSL1):c.513G>A (p.Gly171=)

Gene: FBRSL1 (fibrosin like 1; plus strand). Cytogenetic location: 12q24.33.
Variant type: single nucleotide variant.
Coding change: c.513G>A on transcript NM_001367871.1 (MANE Select); coding-DNA position 513, G replaced by A.
Protein change: p.Gly171=; no amino-acid change (glycine 171 retained).
Molecular consequence: synonymous variant.
Genome position (GRCh38, 1-based): chr12:132,525,757, G>A. VCF-style: chr12-132525757-G-A. GRCh37 (hg19) VCF-style: chr12-133102343-G-A.
Other names: c.513G>A, p.Gly171= (NM_001142641.2, NM_001382739.1, NM_001382740.1 and 1 more transcripts).
Identifiers: ClinVar variation 5039513 (VCV005039513.1).

ClinVar aggregate classification (germline): Likely benign (1 of 4 stars; one submission).

gnomAD v4.1: 2 of 1,549,830 alleles (0.00013%); highest among the groups gnomAD compares: Non-Finnish European, 0.000087%; no homozygotes.

Submission:

CeGaT Center for Human Genetics Tuebingen
Classification: Likely benign. Last evaluated: 2026-08-01. Review status: criteria provided, single submitter. Criteria: CeGaT Center For Human Genetics Tuebingen Variant Classification Criteria Version 2. Collection method: clinical testing. Allele origin: germline. Affected: yes. Observed: 1 variant allele.
Comment: FBRSL1: BP4, BP7